The following is an entry in ClinVar:

ClinVar aggregate classification (germline): Likely pathogenic (1 of 4 stars; one submission).

Conditions:
Leukoencephalopathy with vanishing white matter 3 (VWM3). Also called: Leukoencephalopathy with vanishing white matter 3, with or without ovarian failure; EIF2B3-Related Childhood Ataxia with Central Nervous System Hypomyelination/Vanishing White Matter. Identifiers: MedGen C5830405, MONDO:0957871, OMIM 620313.

gnomAD v4.1: 1 of 1,613,624 alleles (0.000062%); no homozygotes.

Submission:

Service de Génétique Médicale, Centre Hospitalier Universitaire de Nice-Université Côte d'Azur
Classification: Likely pathogenic for Leukoencephalopathy with vanishing white matter 3. Last evaluated: 2024-02-27. Review status: criteria provided, single submitter. Criteria: ACMG Guidelines, 2015. Collection method: clinical testing. Allele origin: germline. Affected: yes.

Literature cited by the submitters: PubMed 38703036.

NM_020365.5(EIF2B3):c.614A>G (p.Tyr205Cys)

Gene: EIF2B3 (eukaryotic translation initiation factor 2B subunit gamma; minus strand). Cytogenetic location: 1p34.1.
Variant type: single nucleotide variant.
Coding change: c.614A>G on transcript NM_020365.5 (MANE Select); coding-DNA position 614, A replaced by G.
Protein change: p.Tyr205Cys; replaces tyrosine 205 with cysteine.
Molecular consequence: missense variant.
Genome position (GRCh38, 1-based): chr1:44,897,397, T>C on the plus strand (A>G on the coding strand, the complement: EIF2B3 is on the minus strand). VCF-style: chr1-44897397-T-C. GRCh37 (hg19) VCF-style: chr1-45363069-T-C.
Other names: c.614A>G, p.Tyr205Cys (NM_001166588.3, NM_001261418.2); short protein forms Y205C.
Identifiers: ClinVar variation 3767195 (VCV003767195.1).